The following is an entry in ClinVar:

NM_152564.5(VPS13B):c.11941C>T (p.Leu3981Phe)

Gene: VPS13B (vacuolar protein sorting 13 homolog B; plus strand). Cytogenetic location: 8q22.2.
Variant type: single nucleotide variant.
Coding change: c.11941C>T on transcript NM_152564.5 (MANE Select); coding-DNA position 11941, C replaced by T.
Protein change: p.Leu3981Phe; replaces leucine 3981 with phenylalanine.
Molecular consequence: missense variant.
Genome position (GRCh38, 1-based): chr8:99,875,613, C>T. VCF-style: chr8-99875613-C-T. GRCh37 (hg19) VCF-style: chr8-100887841-C-T.
Other names: c.12016C>T, p.Leu4006Phe (NM_017890.5); short protein forms L3981F, L4006F.
Identifiers: ClinVar variation 1905109 (VCV001905109.5), dbSNP rs1334746607, ClinGen allele CA371796117.

ClinVar aggregate classification (germline): Uncertain significance (1 of 4 stars; one submission).

Conditions:
Cohen syndrome (COH1). Also called: PEPPER SYNDROME; Cutis verticis gyrata, retinitis pigmentosa, and sensorineural deafness. Identifiers: Orphanet 193, MedGen C0265223, MONDO:0008999, OMIM 216550.

Allele frequency attached by ClinVar (database versions not stated): gnomAD exomes below 0.00001.
gnomAD v4.1: 7 of 1,614,094 alleles (0.00043%); highest among the groups gnomAD compares: Non-Finnish European, 0.00051%; no homozygotes.

Submission:

Labcorp Genetics (formerly Invitae), Labcorp
Classification: Uncertain significance for Cohen syndrome. Last evaluated: 2022-03-11. Review status: criteria provided, single submitter. Criteria: Invitae Variant Classification Sherloc (09022015). Collection method: clinical testing. Allele origin: germline.
Comment: This sequence change replaces leucine, which is neutral and non-polar, with phenylalanine, which is neutral and non-polar, at codon 4006 of the VPS13B protein (p.Leu4006Phe). In summary, the available evidence is currently insufficient to determine the role of this variant in disease. Therefore, it has been classified as a Variant of Uncertain Significance. Algorithms developed to predict the effect of missense changes on protein structure and function are either unavailable or do not agree on the potential impact of this missense change (SIFT: "Not Available"; PolyPhen-2: "Benign"; Align-GVGD: "Not Available"). This variant has not been reported in the literature in individuals affected with VPS13B-related conditions. This variant is not present in population databases (gnomAD no frequency).